The following is an entry in ClinVar:

NM_001001433.2(STX16):c.-744T>C

Genes: STX16-NPEPL1 (STX16-NPEPL1 readthrough (NMD candidate); plus strand), STX16 (syntaxin 16; plus strand). Cytogenetic location: 20q13.32.
Variant type: single nucleotide variant.
Coding change: c.-744T>C on transcript NM_001001433.2; 744 bases upstream of the start codon, T replaced by C.
Molecular consequence: non-coding transcript variant (on NR_037945.1).
Genome position (GRCh38, 1-based): chr20:58,651,263, T>C. VCF-style: chr20-58651263-T-C. GRCh37 (hg19) VCF-style: chr20-57226319-T-C.
Identifiers: ClinVar variation 339029 (VCV000339029.7), dbSNP rs6026428, ClinGen allele CA10650042.

ClinVar aggregate classification (germline): Benign (1 of 4 stars; one submission).

Conditions:
Pseudohypoparathyroidism type 1B (PHP1B). Also called: PHP IB; Pseudohypoparathyroidism Ib (PHP-Ib); Pseudohypoparathyroidism Type IB. Identifiers: Orphanet 94089, MedGen C1864100, MONDO:0011301, OMIM 603233.

Allele frequency attached by ClinVar (database versions not stated): gnomAD 0.03703 and 0.03911; 1000 Genomes Project 0.04373; 1000 Genomes Project 30x 0.04482; gnomAD exomes 0.00563; TOPMed 0.04011.

Submission:

Illumina Laboratory Services, Illumina
Classification: Benign for Pseudohypoparathyroidism type 1B. Last evaluated: 2018-01-12. Review status: criteria provided, single submitter. Criteria: ICSL Variant Classification Criteria 13 December 2019. Collection method: clinical testing. Allele origin: germline.
Comment: This variant was observed in the ICSL laboratory as part of a predisposition screen in an ostensibly healthy population. It had not been previously curated by ICSL or reported in the Human Gene Mutation Database (HGMD: prior to June 1st, 2018), and was therefore a candidate for classification through an automated scoring system. Utilizing variant allele frequency, disease prevalence and penetrance estimates, and inheritance mode, an automated score was calculated to assess if this variant is too frequent to cause the disease. Based on the score and internal cut-off values, a variant classified as benign is not then subjected to further curation. The score for this variant resulted in a classification of benign for this disease.